The following is an entry in ClinVar:

ClinVar aggregate classification (germline): Pathogenic (1 of 4 stars; one submission).

Conditions:
Mosaic variegated aneuploidy syndrome 1 (MVA1). Also called: Warburton-Anyane-Yeboa syndrome. Identifiers: Orphanet 1052, MedGen C1850343, MONDO:0009759, OMIM 257300.

Submission:

Institute of Human Genetics, University of Leipzig Medical Center
Classification: Pathogenic for Mosaic variegated aneuploidy syndrome 1. Last evaluated: 2023-06-13. Review status: criteria provided, single submitter. Criteria: ACMG Guidelines, 2015. Collection method: clinical testing. Allele origin: unknown. Inheritance: Autosomal recessive inheritance. Affected: yes.
Comment: Criteria applied: PVS1,PM2_SUP, PP4

NM_001013836.2(MAD1L1):c.820_823del (p.Glu274fs)

Gene: MAD1L1 (mitotic arrest deficient 1 like 1; minus strand). Cytogenetic location: 7p22.3.
Variant type: Microsatellite.
Coding change: c.820_823del on transcript NM_001013836.2 (MANE Select); coding-DNA positions 820 to 823, 4 bases deleted (GAGA; older notation c.820_823delGAGA).
Protein change: p.Glu274fs; shifts the reading frame from glutamic acid 274.
Molecular consequence: frameshift variant.
Genome position (GRCh38, 1-based): chr7:2,215,986-2,215,989, TCTC deleted on the plus strand (GAGA on the coding strand, the reverse complement: MAD1L1 is on the minus strand); deleting any 4 consecutive bases within chr7:2,215,986-2,215,993 gives the same sequence; the c. name uses the placement nearest the transcript's 3' end. VCF-style (leftmost placement, unchanged base first): chr7-2215985-GTCTC-G. GRCh37 (hg19) VCF-style: chr7-2255620-GTCTC-G.
Other names: c.820_823del, p.Glu274fs (NM_001013837.2, NM_001304523.2, NM_003550.3); c.544_547del, p.Glu182fs (NM_001304524.2); short protein forms E182fs, E274fs.
Identifiers: ClinVar variation 2576570 (VCV002576570.2), dbSNP rs2534062497, ClinGen allele CA2580615828.